The following is an entry in ClinVar:

NM_000069.3(CACNA1S):c.2461C>T (p.Pro821Ser)

Gene: CACNA1S (calcium voltage-gated channel subunit alpha1 S; minus strand). Cytogenetic location: 1q32.1.
Variant type: single nucleotide variant.
Coding change: c.2461C>T on transcript NM_000069.3 (MANE Select); coding-DNA position 2461, C replaced by T.
Protein change: p.Pro821Ser; replaces proline 821 with serine.
Molecular consequence: missense variant.
Genome position (GRCh38, 1-based): chr1:201,069,501, G>A on the plus strand (C>T on the coding strand, the complement: CACNA1S is on the minus strand). VCF-style: chr1-201069501-G-A. GRCh37 (hg19) VCF-style: chr1-201038629-G-A.
Other names: short protein forms P821S.
Identifiers: ClinVar variation 3386348 (VCV003386348.2).
Genomic context (GRCh38, chr1:201,069,501, plus strand): 5'-GCTGAGTGGCAGAGAGGGTGAAGCCCGTCACCTGATTTCTCATGGAATCAGCCCGGATGG[G>A]GTCTTCCGCAGCCAGTGCAGCGCTGCTGAGCAGGATGAAGAGCAGGATGAAGTTGGTAAA-3'
Protein context (NP_000060.2, residues 811-831): LSSAALAAED[Pro821Ser]IRADSMRNQI

ClinVar aggregate classification (germline): Uncertain significance. Review status: criteria provided, multiple submitters, no conflicts (2 of 4 stars). 2 submissions from 2 submitters: Uncertain significance (2). Last evaluated 2024-02-22.

Conditions:
Malignant hyperthermia, susceptibility to, 5 (MHS5). Also called: CACNA1S-Related Malignant Hyperthermia Susceptibility. Identifiers: Orphanet 423, MedGen C1866077, MONDO:0011163, OMIM 601887.

Submissions (2):

All of Us Research Program, National Institutes of Health
Classification: Uncertain significance for Malignant hyperthermia, susceptibility to, 5. Last evaluated: 2024-02-22. Review status: criteria provided, single submitter. Criteria: ACMG Guidelines, 2015. Collection method: clinical testing. Allele origin: germline. Inheritance: Autosomal dominant inheritance. Observed: 1 variant allele, 1 heterozygote.
Comment: This missense variant replaces proline with serine at codon 821 of the CACNA1S protein. Computational prediction suggests that this variant may have deleterious impact on protein structure and function (internally defined REVEL score threshold >= 0.7, PMID: 27666373). To our knowledge, functional studies have not been reported for this variant. This variant has not been reported in individuals affected with CACNA1S-related disorders in the literature. This variant has not been identified in the general population by the Genome Aggregation Database (gnomAD). The available evidence is insufficient to determine the role of this variant in disease conclusively. Therefore, this variant is classified as a Variant of Uncertain Significance.

This study involves interpretation of variants in research participants for the purpose of population health screening. Participant phenotype was not available at the time of variant classification. Additional details can be found in publication PMID: 35346344, PMCID: PMC8962531

Color Diagnostics, LLC DBA Color Health
Classification: Uncertain significance for Malignant hyperthermia, susceptibility to, 5. Last evaluated: 2024-01-31. Review status: criteria provided, single submitter. Criteria: ACMG Guidelines, 2015. Collection method: clinical testing. Allele origin: germline.
Comment: This missense variant replaces proline with serine at codon 821 of the CACNA1S protein. Computational prediction suggests that this variant may have deleterious impact on protein structure and function. To our knowledge, functional studies have not been reported for this variant. This variant has not been reported in individuals affected with CACNA1S-related disorders in the literature. This variant has not been identified in the general population by the Genome Aggregation Database (gnomAD). The available evidence is insufficient to determine the role of this variant in disease conclusively. Therefore, this variant is classified as a Variant of Uncertain Significance.